The following is an entry in ClinVar:

ClinVar aggregate classification (germline): Likely benign. Review status: criteria provided, multiple submitters, no conflicts (2 of 4 stars). 2 submissions from 2 submitters: Likely benign (2). Last evaluated 2018-01-13.

Conditions:
Exercise-induced hyperinsulinism (HHF7). Identifiers: Orphanet 165991, MedGen C1864902, MONDO:0012396, OMIM 610021.

Allele frequency attached by ClinVar (database versions not stated): 1000 Genomes Project 0.00060; 1000 Genomes Project 30x 0.00062; TOPMed 0.00171; gnomAD 0.00263 and 0.00249.

Submissions (2):

Illumina Laboratory Services, Illumina
Classification: Likely benign for Exercise-induced hyperinsulinism. Last evaluated: 2018-01-13. Review status: criteria provided, single submitter. Criteria: ICSL Variant Classification Criteria 13 December 2019. Collection method: clinical testing. Allele origin: germline.
Comment: This variant was observed in the ICSL laboratory as part of a predisposition screen in an ostensibly healthy population. It had not been previously curated by ICSL or reported in the Human Gene Mutation Database (HGMD: prior to June 1st, 2018), and was therefore a candidate for classification through an automated scoring system. Utilizing variant allele frequency, disease prevalence and penetrance estimates, and inheritance mode, an automated score was calculated to assess if this variant is too frequent to cause the disease. Based on the score and internal cut-off values, a variant classified as likely benign is not then subjected to further curation. The score for this variant resulted in a classification of likely benign for this disease.

Breakthrough Genomics
Classification: Likely benign. Review status: criteria provided, single submitter. Criteria: ACMG Guidelines, 2015. Collection method: not provided. Allele origin: germline. Inheritance: Autosomal recessive inheritance. Affected: yes.

NM_003051.4(SLC16A1):c.*1281T>G

Gene: SLC16A1 (solute carrier family 16 member 1; minus strand). Cytogenetic location: 1p13.2.
Variant type: single nucleotide variant.
Coding change: c.*1281T>G on transcript NM_003051.4 (MANE Select); 1281 bases downstream of the stop codon, T replaced by G.
Molecular consequence: 3 prime UTR variant.
Genome position (GRCh38, 1-based): chr1:112,912,610, A>C on the plus strand (T>G on the coding strand, the complement: SLC16A1 is on the minus strand). VCF-style: chr1-112912610-A-C. GRCh37 (hg19) VCF-style: chr1-113455232-A-C.
Other names: c.*1281T>G (NM_001166496.2).
Identifiers: ClinVar variation 291833 (VCV000291833.6), dbSNP rs184445532, ClinGen allele CA10607416.